The following is an entry in ClinVar:

ClinVar aggregate classification (germline): Uncertain significance (1 of 4 stars; one submission).

Conditions:
Hereditary cancer-predisposing syndrome. Also called: Neoplastic Syndromes, Hereditary; Tumor predisposition; Hereditary neoplastic syndrome; Hereditary Cancer Syndrome. Identifiers: Orphanet 140162, MedGen C0027672, MeSH D009386, MONDO:0015356.

Allele frequency attached by ClinVar (database versions not stated): gnomAD exomes below 0.00001.
gnomAD v4.1: 1 of 1,612,256 alleles (0.000062%); highest among the groups gnomAD compares: East Asian, 0.0022%; no homozygotes.

Submission:

Ambry Genetics
Classification: Uncertain significance for Hereditary cancer-predisposing syndrome. Last evaluated: 2024-08-28. Review status: criteria provided, single submitter. Criteria: Ambry Variant Classification Scheme 2023. Collection method: clinical testing. Allele origin: germline.
Comment: The p.P209L variant (also known as c.626C>T), located in coding exon 2 of the BLM gene, results from a C to T substitution at nucleotide position 626. The proline at codon 209 is replaced by leucine, an amino acid with similar properties. This amino acid position is poorly conserved in available vertebrate species. In addition, this alteration is predicted to be tolerated by in silico analysis. Since supporting evidence is limited at this time, the clinical significance of this alteration remains unclear.

NM_000057.4(BLM):c.626C>T (p.Pro209Leu)

Gene: BLM (BLM RecQ like helicase; plus strand). Cytogenetic location: 15q26.1.
Variant type: single nucleotide variant.
Coding change: c.626C>T on transcript NM_000057.4 (MANE Select); coding-DNA position 626, C replaced by T.
Protein change: p.Pro209Leu; replaces proline 209 with leucine.
Molecular consequence: missense variant. On other transcripts: 5 prime UTR variant (1).
Genome position (GRCh38, 1-based): chr15:90,749,894, C>T. VCF-style: chr15-90749894-C-T. GRCh37 (hg19) VCF-style: chr15-91293124-C-T.
Other names: c.626C>T, p.Pro209Leu (NM_001287246.2, NM_001287247.2); c.-666C>T (NM_001287248.2); short protein forms P209L.
Identifiers: ClinVar variation 826283 (VCV000826283.5), dbSNP rs1596218994, ClinGen allele CA393841203.